The following is an entry in ClinVar:

NM_024537.4(CARS2):c.224+5G>A

Gene: CARS2 (cysteinyl-tRNA synthetase 2, mitochondrial; minus strand). Cytogenetic location: 13q34.
Variant type: single nucleotide variant.
Coding change: c.224+5G>A on transcript NM_024537.4 (MANE Select); 5 bases into the intron after coding-DNA position 224, G replaced by A.
Molecular consequence: intron variant.
Genome position (GRCh38, 1-based): chr13:110,705,865, C>T on the plus strand (G>A on the coding strand, the complement: CARS2 is on the minus strand). VCF-style: chr13-110705865-C-T. GRCh37 (hg19) VCF-style: chr13-111358212-C-T.
Other names: c.-775-294G>A (NM_001352252.2); c.224+5G>A (NM_001352253.3).
Identifiers: ClinVar variation 1469343 (VCV001469343.6), dbSNP rs1594436730, ClinGen allele CA2118980736.

ClinVar aggregate classification (germline): Uncertain significance (1 of 4 stars; one submission).

Conditions:
Combined oxidative phosphorylation defect type 27. Also called: Combined oxidative phosphorylation deficiency 27. Identifiers: Orphanet 477774, MedGen C5567608, MONDO:0014728, OMIM 616672.

Allele frequency attached by ClinVar (database versions not stated): gnomAD exomes below 0.00001.

Submission:

Labcorp Genetics (formerly Invitae), Labcorp
Classification: Uncertain significance for Combined oxidative phosphorylation defect type 27. Last evaluated: 2021-01-27. Review status: criteria provided, single submitter. Criteria: Invitae Variant Classification Sherloc (09022015). Collection method: clinical testing. Allele origin: germline.
Comment: In summary, the available evidence is currently insufficient to determine the role of this variant in disease. Therefore, it has been classified as a Variant of Uncertain Significance. Nucleotide substitutions within the consensus splice site are a relatively common cause of aberrant splicing (PMID: 17576681, 9536098). Algorithms developed to predict the effect of sequence changes on RNA splicing suggest that this variant may disrupt the consensus splice site, but this prediction has not been confirmed by published transcriptional studies. This variant has not been reported in the literature in individuals with CARS2-related conditions. The frequency data for this variant in the population databases is considered unreliable, as metrics indicate insufficient coverage at this position in the ExAC database. This sequence change falls in intron 1 of the CARS2 gene. It does not directly change the encoded amino acid sequence of the CARS2 protein. It affects a nucleotide within the consensus splice site of the intron.

Literature cited by the submitters: PubMed 17576681; PubMed 9536098.